The following is an entry in ClinVar:

ClinVar aggregate classification (germline): Pathogenic/Likely pathogenic. Review status: criteria provided, multiple submitters, no conflicts (2 of 4 stars). 13 submissions from 12 submitters: Pathogenic (10); Likely pathogenic (1). 2 of the submissions do not count toward it. Last evaluated 2026-04-15.

Conditions:
KCNH2-related disorder. Also called: KCNH2-related disorders; KCNH2-related condition.
Cardiovascular phenotype. Identifiers: MedGen CN230736.
Familial long QT syndrome (RWS). Also called: Romano-Ward syndrome; VENTRICULAR FIBRILLATION WITH PROLONGED QT INTERVAL; Congenital long QT syndrome. Identifiers: Orphanet 768, MedGen C1141890, MONDO:0019171.
Cardiac arrhythmia. Also called: Cardiac rhythm disease; Arrhythmia. Identifiers: MedGen C0003811, MONDO:0007263, HP:0011675.
Long QT syndrome (LQTS). Identifiers: MedGen C0023976, MeSH D008133, MONDO:0002442. Disease mechanism: loss of function. Inheritance: Various modes of inheritance.
Short QT syndrome type 1. Identifiers: Orphanet 51083, MedGen C1865020, MONDO:0012312, OMIM 609620.
Long QT syndrome 2 (LQT2). Identifiers: Orphanet 101016, Orphanet 768, MedGen C3150943, MONDO:0013367, OMIM 613688.
Obesity. Also called: Obesity disorder. Identifiers: Orphanet 71529, MedGen C0028754, MeSH D009765, MONDO:0011122, HP:0001513.
Prolonged QT interval. Identifiers: MedGen C0151878, HP:0001657.

Allele frequency attached by ClinVar (database versions not stated): gnomAD exomes below 0.00001.
gnomAD v4.1: 1 of 1,614,140 alleles (0.000062%); highest among the groups gnomAD compares: African/African-American, 0.0013%; no homozygotes.

Submissions 1 to 7 of 13:

PreventionGenetics, part of Exact Sciences
Classification: Pathogenic for KCNH2-related condition. Last evaluated: 2026-04-15. Review status: criteria provided, single submitter. Criteria: ACMG Guidelines, 2015. Collection method: clinical testing. Allele origin: germline.
Comment: The KCNH2 c.1682C>T variant is predicted to result in the amino acid substitution p.Ala561Val. This variant has been reported in multiple individuals with long QT syndrome (LQTS) (see, for example, Curran et al. 1995. PubMed ID: 7889573; Splawski et al. 2000. PubMed ID: 10973849; Table S1, Aizawa et al. 2023. PubMed ID: 36861347; Table S2, Kapplinger et al. 2009. PubMed ID: 19716085; Riuró et al. 2014. PubMed ID: 24667783) and segregation was shown in at least two families with LQTS (Curran et al. 1995. PubMed ID: 7889573; Riuró et al. 2014. PubMed ID: 24667783). Functional studies demonstrate a dominant-negative effect, defective trafficking, and insensitivity to pharmacologic rescue or temperature-mediated recovery (Anderson et al. 2006. PubMed ID: 16432067; Li et al. 2007. PubMed ID: 17445409; Mehta et al. 2014. PubMed ID: 24623279). Alternate missense changes at the same amino acid position, p.Ala561Thr and p.Ala561Pro, have been reported in individuals with LQTS (Table S1, Aizawa et al. 2023. PubMed ID: 36861347; Bellocq et al. 2004. PubMed ID: 15280442). This variant has not been reported in a large population database (gnomAD), indicating this variant is rare. Statistical evidence in gnomAD suggests the KCNH2 gene is intolerant of missense variations. This variant is interpreted as pathogenic.

Labcorp Genetics (formerly Invitae), Labcorp
Classification: Pathogenic for Long QT syndrome. Last evaluated: 2025-12-01. Review status: criteria provided, single submitter. Criteria: Invitae Variant Classification Sherloc (09022015). Collection method: clinical testing. Allele origin: germline.
Comment: This sequence change replaces alanine, which is neutral and non-polar, with valine, which is neutral and non-polar, at codon 561 of the KCNH2 protein (p.Ala561Val). This variant is not present in population databases (gnomAD no frequency). This missense change has been observed in individual(s) with long QT syndrome (PMID: 7889573, 10973849, 18593567, 22949429, 24606995). It has also been observed to segregate with disease in related individuals. ClinVar contains an entry for this variant (Variation ID: 14420). An algorithm developed to predict the effect of missense changes on protein structure and function (PolyPhen-2) suggests that this variant is likely to be disruptive. Experimental studies have shown that this missense change affects KCNH2 function (PMID: 12354768, 16432067, 17445409, 23303164, 24623279). This variant disrupts the p.Ala561 amino acid residue in KCNH2. Other variant(s) that disrupt this residue have been determined to be pathogenic (PMID: 10973849, 23303164). This suggests that this residue is clinically significant, and that variants that disrupt this residue are likely to be disease-causing. For these reasons, this variant has been classified as Pathogenic.

Ambry Genetics
Classification: Pathogenic for Cardiovascular phenotype. Last evaluated: 2025-07-03. Review status: criteria provided, single submitter. Criteria: Ambry Variant Classification Scheme 2023. Collection method: clinical testing. Allele origin: germline.
Comment: The p.A561V pathogenic mutation (also known as c.1682C>T), located in coding exon 7 of the KCNH2 gene, results from a C to T substitution at nucleotide position 1682. The alanine at codon 561 is replaced by valine, an amino acid with similar properties. This variant was identified in one or more individuals with features consistent with long QT syndrome and segregated with disease in at least one family (Curran ME et al. Cell. 1995;80:795-803; Splawski I et al. Circulation. 2000;102:1178-85; Giudicessi JR et al. Circ Cardiovasc Genet. 2012;5:519-28; Christiansen M et al. BMC Med Genet. 2014;15:31). Functional studies indicate this alteration results in deficient protein trafficking and altered ion channel function (Anderson CL et al. Circulation. 2006;113:365-73; Jou CJ et al. Circ Res. 2013;112:826-30; Mehta A et al. Cardiovasc Res. 2014;102:497-506; Li G et al. Mol Med Rep. 2016;13:2467-75). Other variant(s) at the same codon, p.A561T (c.1681G>A), have been identified in individual(s) with features consistent with long QT syndrome (Dausse E et al. J Mol Cell Cardiol. 1996;28(8):1609-15). This amino acid position is highly conserved in available vertebrate species. In addition, this alteration is predicted to be deleterious by in silico analysis. This variant is considered to be rare based on population cohorts in the Genome Aggregation Database (gnomAD). Based on the supporting evidence, this alteration is interpreted as a disease-causing mutation.

Dasa
Classification: Pathogenic. Last evaluated: 2025-03-10. Review status: criteria provided, single submitter. Criteria: DASA Assertion Criteria. Collection method: clinical testing. Allele origin: germline.
Comment: NM_000238.4(KCNH2):c.1682C>T (p.Ala561Val) is a missense variant that results in the substitution of alanine with valine. The affected residue or protein region has prior evidence supporting clinical relevance. Functional evidence supports a deleterious effect on the gene or gene product (PMID: 16432067; PMID: 7889573; PMID: 10753933). This variant has been recurrently observed in individuals with related phenotype (PMID: 16432067; PMID: 7889573; PMID: 10753933). Multiple computational predictions support a deleterious effect on the gene or gene product. The variant is present at low frequency in population datasets. Based on the available data, this variant is classified as pathogenic.

Baylor Genetics
Classification: Pathogenic for Short QT syndrome type 1. Last evaluated: 2024-01-29. Review status: criteria provided, single submitter. Criteria: ACMG Guidelines, 2015. Collection method: clinical testing. Allele origin: unknown.

Baylor Genetics
Classification: Pathogenic for Long QT syndrome 2. Last evaluated: 2024-01-29. Review status: criteria provided, single submitter. Criteria: ACMG Guidelines, 2015. Collection method: clinical testing. Allele origin: unknown.

Women's Health and Genetics/Laboratory Corporation of America, LabCorp
Classification: Pathogenic for Cardiac arrhythmia. Last evaluated: 2023-12-04. Review status: criteria provided, single submitter. Criteria: LabCorp Variant Classification Summary - May 2015. Collection method: clinical testing. Allele origin: germline.
Comment: Variant summary: KCNH2 c.1682C>T (p.Ala561Val) results in a non-conservative amino acid change located in the Ion transport domain (IPR005821) of the encoded protein sequence. Five of five in-silico tools predict a damaging effect of the variant on protein function. The frequency data for this variant in gnomAD is considered unreliable, as metrics indicate poor data quality at this position. c.1682C>T has been reported in the literature in individuals affected with long QT syndrome and was reported to segregate with disease (examples: Curran_1995, Giudicessi_2012, Riuro_2015). These data indicate that the variant is very likely to be associated with disease. Multiple studies have shown that this variant impairs normal protein function (examples : Anderson_2006, Li_2007, Jou_2013). Other variants affecting this residue (p.Ala561Pro, p.Ala561Thr) have been classified pathogenic in ClinVar. The following publications have been ascertained in the context of this evaluation (PMID: 7889573, 16432067, 17445409, 22949429, 22949429, 24667783). Five submitters have cited clinical-significance assessments for this variant to ClinVar after 2014. All submitters classified the variant as pathogenic/likely pathogenic. Based on the evidence outlined above, the variant was classified as pathogenic.

NM_000238.4(KCNH2):c.1682C>T (p.Ala561Val)

Gene: KCNH2 (potassium voltage-gated channel subfamily H member 2; minus strand). Cytogenetic location: 7q36.1.
Variant type: single nucleotide variant.
Coding change: c.1682C>T on transcript NM_000238.4 (MANE Select); coding-DNA position 1682, C replaced by T.
Protein change: p.Ala561Val; replaces alanine 561 with valine.
Molecular consequence: missense variant.
Genome position (GRCh38, 1-based): chr7:150,951,711, G>A on the plus strand (C>T on the coding strand, the complement: KCNH2 is on the minus strand). VCF-style: chr7-150951711-G-A. GRCh37 (hg19) VCF-style: chr7-150648799-G-A.
Other names: p.A561V:GCG>GTG; c.662C>T, p.Ala221Val (NM_001204798.2, NM_172057.3); c.1394C>T, p.Ala465Val (NM_001406753.1, NM_001406756.1); c.1505C>T, p.Ala502Val (NM_001406755.1); c.1382C>T, p.Ala461Val (NM_001406757.1); c.1682C>T, p.Ala561Val (NM_172056.3); c.1682C>T (LRG_288t1); short protein forms A561V, A221V, A461V, A502V, A465V.
Identifiers: ClinVar variation 14420 (VCV000014420.27), dbSNP rs121912504, ClinGen allele CA005035.
Genomic context (GRCh38, chr7:150,951,711, plus strand): 5'-GAGTCCATGTGTGGCTGCTCCATGTTGCCGATGGCGTACCAGATGCAGGCTAGCCAGTGC[G>A]CGATGAGCGCAAAGGTGCACATGAGCAAGAACAGCACGGCCGCGCCGTACTCTGAGTAGC-3'
Protein context (NP_000229.1, residues 551-571): FLLMCTFALI[Ala561Val]HWLACIWYAI